The following is an entry in ClinVar:

ClinVar aggregate classification (germline): Uncertain significance. Review status: criteria provided, multiple submitters, no conflicts (2 of 4 stars). 2 submissions from 2 submitters: Uncertain significance (2). Last evaluated 2026-01-28.

Conditions:
Hereditary cancer-predisposing syndrome. Also called: Hereditary Cancer Syndrome; Hereditary neoplastic syndrome; Neoplastic Syndromes, Hereditary; Tumor predisposition. Identifiers: Orphanet 140162, MedGen C0027672, MeSH D009386, MONDO:0015356.
Mitochondrial complex II deficiency, nuclear type 1. Also called: SUCCINATE CoQ REDUCTASE DEFICIENCY. Identifiers: Orphanet 3208, MedGen C5700310, MONDO:0100294, OMIM 252011.
Pheochromocytoma/paraganglioma syndrome 5. Also called: Paragangliomas 5; SDHA-Related Hereditary Paraganglioma-Pheochromocytoma Syndrome. Identifiers: Orphanet 29072, MedGen C3279992, MONDO:0013602, OMIM 614165.

Submissions (2):

Ambry Genetics
Classification: Uncertain significance for Hereditary cancer-predisposing syndrome. Last evaluated: 2026-01-28. Review status: criteria provided, single submitter. Criteria: Ambry Variant Classification Scheme 2023. Collection method: clinical testing. Allele origin: germline.
Comment: The p.G258D variant (also known as c.773G>A), located in coding exon 7 of the SDHA gene, results from a G to A substitution at nucleotide position 773. The glycine at codon 258 is replaced by aspartic acid, an amino acid with similar properties. This amino acid position is highly conserved in available vertebrate species. In addition, this alteration is predicted to be deleterious by in silico analysis. Based on the available evidence, the clinical significance of this variant remains unclear.

Labcorp Genetics (formerly Invitae), Labcorp
Classification: Uncertain significance for Pheochromocytoma/paraganglioma syndrome 5; Mitochondrial complex II deficiency, nuclear type 1. Last evaluated: 2024-02-02. Review status: criteria provided, single submitter. Criteria: Invitae Variant Classification Sherloc (09022015). Collection method: clinical testing. Allele origin: germline.
Comment: This sequence change replaces glycine, which is neutral and non-polar, with aspartic acid, which is acidic and polar, at codon 258 of the SDHA protein (p.Gly258Asp). This variant is not present in population databases (gnomAD no frequency). This variant has not been reported in the literature in individuals affected with SDHA-related conditions. ClinVar contains an entry for this variant (Variation ID: 1760396). An algorithm developed to predict the effect of missense changes on protein structure and function (PolyPhen-2) suggests that this variant is likely to be disruptive. In summary, the available evidence is currently insufficient to determine the role of this variant in disease. Therefore, it has been classified as a Variant of Uncertain Significance.

NM_004168.4(SDHA):c.773G>A (p.Gly258Asp)

Gene: SDHA (succinate dehydrogenase complex flavoprotein subunit A; plus strand). Cytogenetic location: 5p15.33.
Variant type: single nucleotide variant.
Coding change: c.773G>A on transcript NM_004168.4 (MANE Select); coding-DNA position 773, G replaced by A.
Protein change: p.Gly258Asp; replaces glycine 258 with aspartic acid.
Molecular consequence: missense variant.
Genome position (GRCh38, 1-based): chr5:230,878, G>A. VCF-style: chr5-230878-G-A. GRCh37 (hg19) VCF-style: chr5-230993-G-A.
Other names: c.629G>A, p.Gly210Asp (NM_001294332.2); c.773G>A, p.Gly258Asp (NM_001330758.2); short protein forms G210D, G258D.
Identifiers: ClinVar variation 1760396 (VCV001760396.5), dbSNP rs2477331767, ClinGen allele CA359011519.